The following is an entry in ClinVar:

ClinVar aggregate classification (germline): Uncertain significance (1 of 4 stars; one submission).

Conditions:
Inborn genetic diseases. Identifiers: MedGen C0950123, MeSH D030342.

gnomAD v4.1: 8 of 1,613,764 alleles (0.0005%); highest among the groups gnomAD compares: Non-Finnish European, 0.00068%; no homozygotes.

Submission:

Ambry Genetics
Classification: Uncertain significance for Inborn genetic diseases. Last evaluated: 2025-12-04. Review status: criteria provided, single submitter. Criteria: Ambry Variant Classification Scheme 2023. Collection method: clinical testing. Allele origin: germline.
Comment: The c.2002A>G (p.T668A) alteration is located in exon 17 (coding exon 17) of the CLCN2 gene. This alteration results from a A to G substitution at nucleotide position 2002, causing the threonine (T) at amino acid position 668 to be replaced by an alanine (A). Based on data from gnomAD, the G allele has an overall frequency of 0.003% (1/31358) total alleles studied. The highest observed frequency was 0.007% (1/15408) of European (non-Finnish) alleles. Based on insufficient or conflicting evidence, the clinical significance of this alteration remains unclear.

NM_004366.6(CLCN2):c.2002A>G (p.Thr668Ala)

Gene: CLCN2 (chloride voltage-gated channel 2; minus strand). Cytogenetic location: 3q27.1.
Variant type: single nucleotide variant.
Coding change: c.2002A>G on transcript NM_004366.6 (MANE Select); coding-DNA position 2002, A replaced by G.
Protein change: p.Thr668Ala; replaces threonine 668 with alanine.
Molecular consequence: missense variant.
Genome position (GRCh38, 1-based): chr3:184,353,276, T>C on the plus strand (A>G on the coding strand, the complement: CLCN2 is on the minus strand). VCF-style: chr3-184353276-T-C. GRCh37 (hg19) VCF-style: chr3-184071064-T-C.
Other names: c.1951A>G, p.Thr651Ala (NM_001171087.3); c.1870A>G, p.Thr624Ala (NM_001171088.3); c.2002A>G, p.Thr668Ala (NM_001171089.3); short protein forms T668A, T624A, T651A.
Identifiers: ClinVar variation 4615896 (VCV004615896.1).